The following is an entry in ClinVar:

NM_001844.5(COL2A1):c.2167G>A (p.Gly723Ser)

Gene: COL2A1 (collagen type II alpha 1 chain; minus strand). Cytogenetic location: 12q13.11.
Variant type: single nucleotide variant.
Coding change: c.2167G>A on transcript NM_001844.5 (MANE Select); coding-DNA position 2167, G replaced by A.
Protein change: p.Gly723Ser; replaces glycine 723 with serine.
Molecular consequence: missense variant.
Genome position (GRCh38, 1-based): chr12:47,982,874, C>T on the plus strand (G>A on the coding strand, the complement: COL2A1 is on the minus strand). VCF-style: chr12-47982874-C-T. GRCh37 (hg19) VCF-style: chr12-48376657-C-T.
Other names: c.1960G>A, p.Gly654Ser (NM_033150.3); short protein forms G654S, G723S.
Identifiers: ClinVar variation 1320218 (VCV001320218.11), dbSNP rs1939173389, ClinGen allele CA384546936.

ClinVar aggregate classification (germline): Conflicting classifications of pathogenicity. Review status: criteria provided, conflicting classifications (1 of 4 stars). 4 submissions from 4 submitters: Likely pathogenic (3); Uncertain significance (1). Last evaluated 2023-10-11.

Conditions:
Type 2 collagenopathy. Identifiers: Orphanet 93421, MedGen C2931073, MONDO:0022800.
Spondyloepiphyseal dysplasia, Stanescu type. Also called: SED, STANESCU TYPE; SPONDYLOEPIMETAPHYSEAL DYSPLASIA, STANESCU TYPE. Identifiers: Orphanet 459051, MedGen C4225273, MONDO:0014701, OMIM 616583.

Allele frequency attached by ClinVar (database versions not stated): gnomAD exomes below 0.00001.
gnomAD v4.1: 3 of 1,612,448 alleles (0.00019%); highest among the groups gnomAD compares: Non-Finnish European, 0.00025%; no homozygotes.

Submissions (4):

3billion
Classification: Likely pathogenic for Spondyloepiphyseal dysplasia, Stanescu type. Last evaluated: 2023-10-11. Review status: criteria provided, single submitter. Criteria: ACMG Guidelines, 2015. Collection method: clinical testing. Allele origin: germline. Affected: yes.
Comment: The variant is not observed in the gnomAD v2.1.1 dataset. Predicted Consequence/Location: Missense changes are a common disease-causing mechanism. In silico tool predictions suggest damaging effect of the variant on gene or gene product [REVEL: 0.99 (>=0.6, sensitivity 0.68 and specificity 0.92); 3Cnet: 1.00 (>=0.6, sensitivity 0.72 and precision 0.9)]. Same nucleotide change resulting in same amino acid change has been previously reported as pathogenic/likely pathogenic with strong evidence (ClinVar ID: VCV001320218 /3billion dataset). A different missense change at the same codon (p.Gly723Asp) has been reported to be associated with COL2A1 related disorder (ClinVar ID: VCV001512067). Therefore, this variant is classified as Likely pathogenic according to the recommendation of ACMG/AMP guideline.

Victorian Clinical Genetics Services, Murdoch Childrens Research Institute
Classification: Likely pathogenic for Type 2 collagenopathy. Last evaluated: 2023-07-17. Review status: criteria provided, single submitter. Criteria: ACMG Guidelines, 2015. Collection method: clinical testing. Allele origin: germline. Inheritance: Autosomal dominant inheritance. Affected: yes.
Comment: Based on the classification scheme VCGS_Germline_v1.3.4, this variant is classified as Likely pathogenic. Following criteria are met: 0103 - Dominant negative and loss of function are known mechanisms of disease in this gene and are associated with COL2A1-related disorders. Loss of function variants have been reported to cause Stickler syndrome, whereas missense variants with a dominant negative effect on protein function result in spondyloepiphyseal or spondyloepimetaphyseal dysplasia (OMIM, PMIDs: 35052477, 15895462). (I) 0107 - This gene is associated with autosomal dominant disease. (I) 0115 - Variants in this gene are known to have variable expressivity (PMID: 20301479). (I) 0200 - Variant is predicted to result in a missense amino acid change from glycine to serine. (I) 0251 - This variant is heterozygous. (I) 0301 - Variant is absent from gnomAD (both v2 and v3). (SP) 0501 - Missense variant consistently predicted to be damaging by multiple in silico tools or highly conserved with a major amino acid change. (SP) 0601 - Variant is located in the well-established functional Gly-X-Y motif within the collagen repeat motif, and affects a glycine residue (DECIPHER). (SP) 0704 - Another missense variant comparable to the one identified in this case has limited previous evidence for pathogenicity. p.(Gly723Asp) has been classified as likely pathogenic by a clinical laboratory in ClinVar. (SP) 0803 - This variant has limited previous evidence of pathogenicity in unrelated individuals. This variant has been classified as likely pathogenic by two clinical laboratories in ClinVar, one of whom observed this variant in two siblings with COL2A1-related skeletal dysplasia. (SP) 1007 - No published functional evidence has been identified for this variant. (I) Legend: (SP) - Supporting pathogenic, (I) - Information, (SB) - Supporting benign

Labcorp Genetics (formerly Invitae), Labcorp
Classification: Likely pathogenic. Last evaluated: 2021-10-20. Review status: criteria provided, single submitter. Criteria: Invitae Variant Classification Sherloc (09022015). Collection method: clinical testing. Allele origin: germline.
Comment: This sequence change replaces glycine, a(n) neutral and non-polar amino acid, with serine, a(n) neutral and polar amino acid, at codon 723 of the COL2A1 protein (p.Gly723Ser). This variant is not present in population databases (gnomAD no frequency). This variant has not been reported in the literature in individuals affected with COL2A1-related conditions. Advanced modeling of protein sequence and biophysical properties (such as structural, functional, and spatial information, amino acid conservation, physicochemical variation, residue mobility, and thermodynamic stability) performed at Invitae indicates that this missense variant is expected to disrupt COL2A1 protein function. Algorithms developed to predict the effect of sequence changes on RNA splicing suggest that this variant may create or strengthen a splice site. This variant disrupts the triple helix domain of COL2A1. Glycine residues within the Gly-Xaa-Yaa repeats of the triple helix domain are required for the structure and stability of fibrillar collagens (PMID: 7695699, 8218237, 19344236). In COL2A1, variants affecting these glycine residues are significantly enriched in individuals with disease (PMID: 9016532, 17078022) compared to the general population (ExAC). In summary, the currently available evidence indicates that the variant is pathogenic, but additional data are needed to prove that conclusively. Therefore, this variant has been classified as Likely Pathogenic.

Blueprint Genetics
Classification: Uncertain significance. Last evaluated: 2017-07-20. Review status: criteria provided, single submitter. Criteria: ACMG Guidelines, 2015. Collection method: clinical testing. Allele origin: germline.

Literature cited by the submitters: PubMed 15895462 (cited by Victorian Clinical Genetics Services, Murdoch Childrens Research Institute); PubMed 20301479 (cited by Victorian Clinical Genetics Services, Murdoch Childrens Research Institute); PubMed 35052477 (cited by Victorian Clinical Genetics Services, Murdoch Childrens Research Institute); PubMed 7695699 (cited by Labcorp Genetics (formerly Invitae), Labcorp); PubMed 8218237 (cited by Labcorp Genetics (formerly Invitae), Labcorp); PubMed 19344236 (cited by Labcorp Genetics (formerly Invitae), Labcorp); PubMed 9016532 (cited by Labcorp Genetics (formerly Invitae), Labcorp); PubMed 17078022 (cited by Labcorp Genetics (formerly Invitae), Labcorp).